The following is an entry in ClinVar:

NM_000094.4(COL7A1):c.7983+1G>C

Gene: COL7A1 (collagen type VII alpha 1 chain; minus strand). Cytogenetic location: 3p21.31.
Variant type: single nucleotide variant.
Coding change: c.7983+1G>C on transcript NM_000094.4 (MANE Select); the canonical splice donor site of the intron after coding-DNA position 7983, G replaced by C.
Molecular consequence: splice donor variant.
Genome position (GRCh38, 1-based): chr3:48,567,709, C>G on the plus strand (G>C on the coding strand, the complement: COL7A1 is on the minus strand). VCF-style: chr3-48567709-C-G. GRCh37 (hg19) VCF-style: chr3-48605142-C-G.
Identifiers: ClinVar variation 1504495 (VCV001504495.8), dbSNP rs2107635603, ClinGen allele CA352641213.

ClinVar aggregate classification (germline): Likely pathogenic (1 of 4 stars; one submission).

Submission:

Labcorp Genetics (formerly Invitae), Labcorp
Classification: Likely pathogenic. Last evaluated: 2023-10-13. Review status: criteria provided, single submitter. Criteria: Invitae Variant Classification Sherloc (09022015). Collection method: clinical testing. Allele origin: germline.
Comment: This sequence change affects a donor splice site in intron 107 of the COL7A1 gene. It is expected to disrupt RNA splicing. Variants that disrupt the donor or acceptor splice site typically lead to a loss of protein function (PMID: 16199547), and loss-of-function variants in COL7A1 are known to be pathogenic (PMID: 16971478). This variant is not present in population databases (gnomAD no frequency). This variant has not been reported in the literature in individuals affected with COL7A1-related conditions. ClinVar contains an entry for this variant (Variation ID: 1504495). Algorithms developed to predict the effect of sequence changes on RNA splicing suggest that this variant may disrupt the consensus splice site. In summary, the currently available evidence indicates that the variant is pathogenic, but additional data are needed to prove that conclusively. Therefore, this variant has been classified as Likely Pathogenic.

Literature cited by the submitters: PubMed 16199547; PubMed 16971478.